The following is an entry in ClinVar:

ClinVar aggregate classification (germline): Likely benign. Review status: criteria provided, single submitter (1 of 4 stars). 3 submissions from 1 submitter: Likely benign (3). Last evaluated 2017-04-27.

Conditions:
Polydactyly. Also called: polydactylism. Identifiers: MedGen C0152427, MONDO:0021003, OMIM 603596, HP:0010442.
Pallister-Hall syndrome (PHS). Also called: HYPOTHALAMIC HAMARTOBLASTOMA, HYPOPITUITARISM, IMPERFORATE ANUS, AND POSTAXIAL POLYDACTYLY; GLI3-Related Pallister-Hall Syndrome. Identifiers: Orphanet 672, MedGen C0265220, MONDO:0007804, OMIM 146510.
Greig cephalopolysyndactyly syndrome (GCPS). Also called: POLYSYNDACTYLY WITH PECULIAR SKULL SHAPE; Greig syndrome; GLI3-Related Greig Cephalopolysyndactyly Syndrome. Identifiers: Orphanet 380, MedGen C0265306, MONDO:0008287, OMIM 175700.

Allele frequency attached by ClinVar (database versions not stated): gnomAD 0.00015 and 0.00032; TOPMed 0.00032; 1000 Genomes Project 30x 0.00172; 1000 Genomes Project 0.00180.

Submissions (3):

Illumina Laboratory Services, Illumina
Classification: Likely benign for Greig cephalopolysyndactyly syndrome. Last evaluated: 2017-04-27. Review status: criteria provided, single submitter. Criteria: ICSL Variant Classification Criteria 13 December 2019. Collection method: clinical testing. Allele origin: germline.
Comment: This variant was observed as part of a predisposition screen in an ostensibly healthy population. A literature search was performed for the gene, cDNA change, and amino acid change (where applicable). No publications were found based on this search. Allele frequency data from public databases allowed determination this variant is unlikely to cause disease. Therefore, this variant is classified as likely benign.

Illumina Laboratory Services, Illumina
Classification: Likely benign for Pallister-Hall syndrome. Last evaluated: 2017-04-27. Review status: criteria provided, single submitter. Criteria: ICSL Variant Classification Criteria 13 December 2019. Collection method: clinical testing. Allele origin: germline.
Comment: the same text as in the submission from Illumina Laboratory Services, Illumina above.

Illumina Laboratory Services, Illumina
Classification: Likely benign for Polydactyly. Last evaluated: 2017-04-27. Review status: criteria provided, single submitter. Criteria: ICSL Variant Classification Criteria 13 December 2019. Collection method: clinical testing. Allele origin: germline.
Comment: the same text as in the submission from Illumina Laboratory Services, Illumina above.

NM_000168.6(GLI3):c.*2347C>A

Gene: GLI3 (GLI family zinc finger 3; minus strand). Cytogenetic location: 7p14.1.
Variant type: single nucleotide variant.
Coding change: c.*2347C>A on transcript NM_000168.6 (MANE Select); 2347 bases downstream of the stop codon, C replaced by A.
Molecular consequence: 3 prime UTR variant.
Genome position (GRCh38, 1-based): chr7:41,961,983, G>T on the plus strand (C>A on the coding strand, the complement: GLI3 is on the minus strand). VCF-style: chr7-41961983-G-T. GRCh37 (hg19) VCF-style: chr7-42001581-G-T.
Identifiers: ClinVar variation 360172 (VCV000360172.5), dbSNP rs138209843, ClinGen allele CA10629013.